The following is an entry in ClinVar:

ClinVar aggregate classification (germline): Uncertain significance. Review status: criteria provided, multiple submitters, no conflicts (2 of 4 stars). 2 submissions from 2 submitters: Uncertain significance (2). Last evaluated 2024-05-13.

gnomAD v4.1: 39 of 1,613,838 alleles (0.0024%); highest among the groups gnomAD compares: South Asian, 0.042%; no homozygotes.

Submissions (2):

Blueprint Genetics
Classification: Uncertain significance. Last evaluated: 2024-05-13. Review status: criteria provided, single submitter. Criteria: ACMG Guidelines, 2015. Collection method: clinical testing. Allele origin: germline.

GeneDx
Classification: Uncertain significance. Last evaluated: 2023-11-02. Review status: criteria provided, single submitter. Criteria: GeneDx Variant Classification Process June 2021. Collection method: clinical testing. Allele origin: germline. Affected: yes.
Comment: In silico analysis supports that this missense variant has a deleterious effect on protein structure/function; Has not been previously published as pathogenic or benign to our knowledge

NM_181458.4(PAX3):c.1115C>T (p.Pro372Leu)

Genes: PAX3 (paired box 3; minus strand), LOC126806529 (CDK7 strongly-dependent group 2 enhancer GRCh37_chr2:223084735-223085934; plus strand). Cytogenetic location: 2q36.1.
Variant type: single nucleotide variant.
Coding change: c.1115C>T on transcript NM_181458.4 (MANE Select); coding-DNA position 1115, C replaced by T.
Protein change: p.Pro372Leu; replaces proline 372 with leucine.
Molecular consequence: missense variant.
Genome position (GRCh38, 1-based): chr2:222,220,198, G>A on the plus strand (C>T on the coding strand, the complement: PAX3 is on the minus strand). VCF-style: chr2-222220198-G-A. GRCh37 (hg19) VCF-style: chr2-223084917-G-A.
Other names: c.1112C>T, p.Pro371Leu (NM_001127366.3); c.1115C>T, p.Pro372Leu (NM_181457.4, NM_181459.4, NM_181460.4 and 1 more transcripts); short protein forms P371L, P372L.
Identifiers: ClinVar variation 3363730 (VCV003363730.2).